The following is an entry in ClinVar:

ClinVar aggregate classification (germline): Uncertain significance. Review status: criteria provided, multiple submitters, no conflicts (2 of 4 stars). 3 submissions from 3 submitters: Uncertain significance (3). Last evaluated 2025-08-15.

Conditions:
Inborn genetic diseases. Identifiers: MedGen C0950123, MeSH D030342.
Primary ciliary dyskinesia. Also called: Ciliary dyskinesia. Identifiers: Orphanet 244, MedGen C0008780, MONDO:0016575, HP:0012265.

Allele frequency attached by ClinVar (database versions not stated): 1000 Genomes Project 0.00020; ESP Exome Variant Server 0.00023; 1000 Genomes Project 30x 0.00031; gnomAD 0.00045 and 0.00049; TOPMed 0.00053.
gnomAD v4.1: 107 of 1,614,052 alleles (0.0066%); highest among the groups gnomAD compares: African/African-American, 0.11%; no homozygotes.

Submissions (3):

Ambry Genetics
Classification: Uncertain significance for Inborn genetic diseases. Last evaluated: 2025-08-15. Review status: criteria provided, single submitter. Criteria: Ambry Variant Classification Scheme 2023. Collection method: clinical testing. Allele origin: germline.

Labcorp Genetics (formerly Invitae), Labcorp
Classification: Uncertain significance for Primary ciliary dyskinesia. Last evaluated: 2022-08-15. Review status: criteria provided, single submitter. Criteria: Invitae Variant Classification Sherloc (09022015). Collection method: clinical testing. Allele origin: germline.
Comment: This sequence change replaces proline, which is neutral and non-polar, with alanine, which is neutral and non-polar, at codon 614 of the DRC1 protein (p.Pro614Ala). This variant is present in population databases (rs372284377, gnomAD 0.2%). This variant has not been reported in the literature in individuals affected with DRC1-related conditions. ClinVar contains an entry for this variant (Variation ID: 662743). Algorithms developed to predict the effect of missense changes on protein structure and function (SIFT, PolyPhen-2, Align-GVGD) all suggest that this variant is likely to be tolerated. In summary, the available evidence is currently insufficient to determine the role of this variant in disease. Therefore, it has been classified as a Variant of Uncertain Significance.

Breakthrough Genomics
Classification: Uncertain significance. Review status: criteria provided, single submitter. Criteria: ACMG Guidelines, 2015. Collection method: not provided. Allele origin: germline. Inheritance: Autosomal recessive inheritance. Affected: yes.

NM_145038.5(DRC1):c.1840C>G (p.Pro614Ala)

Gene: DRC1 (dynein regulatory complex subunit 1; plus strand). Cytogenetic location: 2p23.3.
Variant type: single nucleotide variant.
Coding change: c.1840C>G on transcript NM_145038.5 (MANE Select); coding-DNA position 1840, C replaced by G.
Protein change: p.Pro614Ala; replaces proline 614 with alanine.
Molecular consequence: missense variant.
Genome position (GRCh38, 1-based): chr2:26,453,470, C>G. VCF-style: chr2-26453470-C-G. GRCh37 (hg19) VCF-style: chr2-26676338-C-G.
Other names: c.1840C>G (NM_145038.2); short protein forms P614A.
Identifiers: ClinVar variation 662743 (VCV000662743.5), dbSNP rs372284377, ClinGen allele CA1562411.